The following is an entry in ClinVar:

ClinVar aggregate classification (germline): Uncertain significance (1 of 4 stars; one submission).

Conditions:
Hyper-IgM syndrome type 1. Also called: CD40 Ligand Deficiency; Hyper-IgM Immunodeficiency Syndrome, Type 1; X-linked hyper-IgM syndrome; Immunodeficiency, X-linked, with hyper-IgM. Identifiers: Orphanet 101088, MedGen C0398689, MONDO:0010626, OMIM 308230.

Submission:

Labcorp Genetics (formerly Invitae), Labcorp
Classification: Uncertain significance for Hyper-IgM syndrome type 1. Last evaluated: 2022-03-02. Review status: criteria provided, single submitter. Criteria: Invitae Variant Classification Sherloc (09022015). Collection method: clinical testing. Allele origin: germline.
Comment: Advanced modeling of protein sequence and biophysical properties (such as structural, functional, and spatial information, amino acid conservation, physicochemical variation, residue mobility, and thermodynamic stability) performed at Invitae indicates that this missense variant is expected to disrupt CD40LG protein function. This variant has not been reported in the literature in individuals affected with CD40LG-related conditions. This variant is not present in population databases (gnomAD no frequency). This sequence change replaces valine, which is neutral and non-polar, with phenylalanine, which is neutral and non-polar, at codon 126 of the CD40LG protein (p.Val126Phe). In summary, the available evidence is currently insufficient to determine the role of this variant in disease. Therefore, it has been classified as a Variant of Uncertain Significance. This variant disrupts the Val126 amino acid residue in CD40LG. Other variant(s) that disrupt this residue have been observed in individuals with CD40LG-related conditions (PMID: 7717401, 22193914), which suggests that this may be a clinically significant amino acid residue.

Literature cited by the submitters: PubMed 7717401; PubMed 22193914.

NM_000074.3(CD40LG):c.376G>T (p.Val126Phe)

Gene: CD40LG (CD40 ligand; plus strand). Cytogenetic location: Xq26.3.
Variant type: single nucleotide variant.
Coding change: c.376G>T on transcript NM_000074.3 (MANE Select); coding-DNA position 376, G replaced by T.
Protein change: p.Val126Phe; replaces valine 126 with phenylalanine.
Molecular consequence: missense variant.
Genome position (GRCh38, 1-based): chrX:136,656,385, G>T. VCF-style: chrX-136656385-G-T. GRCh37 (hg19) VCF-style: chrX-135738544-G-T.
Other names: short protein forms V126F.
Identifiers: ClinVar variation 1438322 (VCV001438322.6), dbSNP rs2148552915, ClinGen allele CA414754994.
Genomic context (GRCh38, chrX:136,656,385, plus strand): 5'-TTTAGCCTGACAGTTTTTGGTTCCATTTCAGGTGATCAGAATCCTCAAATTGCGGCACAT[G>T]TCATAAGTGAGGCCAGCAGTAAAACAACATCTGGTAAGTCACACAGCATCTGAGCGGTAG-3'
Protein context (NP_000065.1, residues 116-136): GDQNPQIAAH[Val126Phe]ISEASSKTTS